The following is an entry in ClinVar:

NM_145064.3(STAC3):c.125T>C (p.Leu42Pro)

Gene: STAC3 (SH3 and cysteine rich domain 3; minus strand). Cytogenetic location: 12q13.3.
Variant type: single nucleotide variant.
Coding change: c.125T>C on transcript NM_145064.3 (MANE Select); coding-DNA position 125, T replaced by C.
Protein change: p.Leu42Pro; replaces leucine 42 with proline.
Molecular consequence: missense variant. On other transcripts: intron variant (1).
Genome position (GRCh38, 1-based): chr12:57,249,250, A>G on the plus strand (T>C on the coding strand, the complement: STAC3 is on the minus strand). VCF-style: chr12-57249250-A-G. GRCh37 (hg19) VCF-style: chr12-57643033-A-G.
Other names: c.8T>C, p.Leu3Pro (NM_001286256.2); c.-126-1052T>C (NM_001286257.2); short protein forms L42P, L3P.
Identifiers: ClinVar variation 2010288 (VCV002010288.4), dbSNP rs2548121507, ClinGen allele CA385417836.

ClinVar aggregate classification (germline): Uncertain significance (1 of 4 stars; one submission).

Conditions:
Bailey-Bloch congenital myopathy (CMYO13). Also called: Native American myopathy; STAC3 disorder; Congenital myopathy 13. Identifiers: Orphanet 168572, MedGen C1850625, MONDO:0009722, OMIM 255995.

Submission:

Labcorp Genetics (formerly Invitae), Labcorp
Classification: Uncertain significance for Bailey-Bloch congenital myopathy. Last evaluated: 2023-12-07. Review status: criteria provided, single submitter. Criteria: Invitae Variant Classification Sherloc (09022015). Collection method: clinical testing. Allele origin: germline.
Comment: This sequence change replaces leucine, which is neutral and non-polar, with proline, which is neutral and non-polar, at codon 42 of the STAC3 protein (p.Leu42Pro). This variant is not present in population databases (gnomAD no frequency). This variant has not been reported in the literature in individuals affected with STAC3-related conditions. ClinVar contains an entry for this variant (Variation ID: 2010288). Advanced modeling of protein sequence and biophysical properties (such as structural, functional, and spatial information, amino acid conservation, physicochemical variation, residue mobility, and thermodynamic stability) performed at Invitae indicates that this missense variant is not expected to disrupt STAC3 protein function with a negative predictive value of 80%. In summary, the available evidence is currently insufficient to determine the role of this variant in disease. Therefore, it has been classified as a Variant of Uncertain Significance.